The following is an entry in ClinVar:

ClinVar aggregate classification (germline): Uncertain significance (1 of 4 stars; one submission).

Submission:

GeneDx
Classification: Uncertain significance. Last evaluated: 2025-04-17. Review status: criteria provided, single submitter. Criteria: GeneDx Variant Classification Process June 2021. Collection method: clinical testing. Allele origin: germline. Affected: yes.
Comment: Not observed at significant frequency in large population cohorts (gnomAD); In silico analysis supports that this missense variant has a deleterious effect on protein structure/function; Has not been previously published as pathogenic or benign to our knowledge

NM_000719.7(CACNA1C):c.5312A>G (p.Asn1771Ser)

Genes: CACNA1C (calcium voltage-gated channel subunit alpha1 C; plus strand), CACNA1C-AS1 (CACNA1C antisense RNA 1; minus strand). Cytogenetic location: 12p13.33.
Variant type: single nucleotide variant.
Coding change: c.5312A>G on transcript NM_000719.7 (MANE Select); coding-DNA position 5312, A replaced by G.
Protein change: p.Asn1771Ser; replaces asparagine 1771 with serine.
Molecular consequence: missense variant.
Genome position (GRCh38, 1-based): chr12:2,679,664, A>G. VCF-style: chr12-2679664-A-G. GRCh37 (hg19) VCF-style: chr12-2788830-A-G.
Other names: c.5369A>G, p.Asn1790Ser (NM_001129833.2, NM_001129834.2, NM_001129835.2); c.5363A>G, p.Asn1788Ser (NM_001129836.2); c.5336A>G, p.Asn1779Ser (NM_001129837.2, NM_001129838.2); c.5330A>G, p.Asn1777Ser (NM_001129839.2); c.5312A>G, p.Asn1771Ser (NM_001129840.2, NM_001129841.2, NM_001129842.2 and 4 more transcripts); c.5303A>G, p.Asn1768Ser (NM_001129844.2); c.5279A>G, p.Asn1760Ser (NM_001129846.2, NM_001167625.2); c.5456A>G, p.Asn1819Ser (NM_199460.4, NM_001129827.2); and 3 more; short protein forms N1760S, N1768S, N1771S, N1777S, N1779S, N1788S, N1790S, N1791S.
Identifiers: ClinVar variation 4281786 (VCV004281786.1).